The following is an entry in ClinVar:

ClinVar aggregate classification (germline): Uncertain significance (1 of 4 stars; one submission).

Conditions:
Fanconi anemia (FA). Also called: Fanconi's anemia. Identifiers: Orphanet 84, MedGen C0015625, MeSH D005199, MONDO:0019391.

Allele frequency attached by ClinVar (database versions not stated): gnomAD 0.00001.

Submission:

Labcorp Genetics (formerly Invitae), Labcorp
Classification: Uncertain significance for Fanconi anemia. Last evaluated: 2023-06-24. Review status: criteria provided, single submitter. Criteria: Invitae Variant Classification Sherloc (09022015). Collection method: clinical testing. Allele origin: germline.
Comment: This variant is not present in population databases (gnomAD no frequency). This sequence change affects codon 238 of the FANCG mRNA. It is a 'silent' change, meaning that it does not change the encoded amino acid sequence of the FANCG protein. In summary, the available evidence is currently insufficient to determine the role of this variant in disease. Therefore, it has been classified as a Variant of Uncertain Significance. Algorithms developed to predict the effect of sequence changes on RNA splicing suggest that this variant may disrupt the consensus splice site. This variant has not been reported in the literature in individuals affected with FANCG-related conditions.

NM_004629.2(FANCG):c.714C>T (p.Gly238=)

Gene: FANCG (FA complementation group G; minus strand). Cytogenetic location: 9p13.3.
Variant type: single nucleotide variant.
Coding change: c.714C>T on transcript NM_004629.2 (MANE Select); coding-DNA position 714, C replaced by T.
Protein change: p.Gly238=; no amino-acid change (glycine 238 retained).
Molecular consequence: synonymous variant.
Genome position (GRCh38, 1-based): chr9:35,077,034, G>A on the plus strand (C>T on the coding strand, the complement: FANCG is on the minus strand). VCF-style: chr9-35077034-G-A. GRCh37 (hg19) VCF-style: chr9-35077031-G-A.
Identifiers: ClinVar variation 2877255 (VCV002877255.3), dbSNP rs1185716009, ClinGen allele CA464602848.